The following is an entry in ClinVar:

ClinVar aggregate classification (germline): Uncertain significance. Review status: criteria provided, multiple submitters, no conflicts (2 of 4 stars). 2 submissions from 2 submitters: Uncertain significance (2). Last evaluated 2026-08-16.

Conditions:
IFT88-related disorder. Also called: IFT88-related condition.

Allele frequency attached by ClinVar (database versions not stated): gnomAD 0.00001; ExAC 0.00004; ESP Exome Variant Server 0.00008.
gnomAD v4.1: 37 of 1,612,578 alleles (0.0023%); highest among the groups gnomAD compares: Non-Finnish European, 0.0026%; no homozygotes.

Submissions (2):

PreventionGenetics, part of Exact Sciences
Classification: Uncertain significance for IFT88-related condition. Last evaluated: 2026-08-16. Review status: criteria provided, single submitter. Criteria: ACMG Guidelines, 2015. Collection method: clinical testing. Allele origin: germline.
Comment: The IFT88 c.310A>G variant is predicted to result in the amino acid substitution p.Met104Val. To our knowledge, this variant has not been reported in the literature. This variant is reported in 0.0035% of alleles in individuals of European (Non-Finnish) descent in gnomAD. At this time, the clinical significance of this variant is uncertain due to the absence of conclusive functional and genetic evidence.

Labcorp Genetics (formerly Invitae), Labcorp
Classification: Uncertain significance. Last evaluated: 2024-02-24. Review status: criteria provided, single submitter. Criteria: Invitae Variant Classification Sherloc (09022015). Collection method: clinical testing. Allele origin: germline.
Comment: This sequence change replaces methionine, which is neutral and non-polar, with valine, which is neutral and non-polar, at codon 104 of the IFT88 protein (p.Met104Val). This variant is present in population databases (rs375150650, gnomAD 0.004%). This variant has not been reported in the literature in individuals affected with IFT88-related conditions. ClinVar contains an entry for this variant (Variation ID: 2176288). An algorithm developed to predict the effect of missense changes on protein structure and function (PolyPhen-2) suggests that this variant is likely to be tolerated. In summary, the available evidence is currently insufficient to determine the role of this variant in disease. Therefore, it has been classified as a Variant of Uncertain Significance.

NM_006531.5(IFT88):c.283A>G (p.Met95Val)

Gene: IFT88 (intraflagellar transport 88; plus strand). Cytogenetic location: 13q12.11.
Variant type: single nucleotide variant.
Coding change: c.283A>G on transcript NM_006531.5 (MANE Select); coding-DNA position 283, A replaced by G.
Protein change: p.Met95Val; replaces methionine 95 with valine.
Molecular consequence: missense variant. On other transcripts: 5 prime UTR variant (1), non-coding transcript variant (5).
Genome position (GRCh38, 1-based): chr13:20,591,636, A>G. VCF-style: chr13-20591636-A-G. GRCh37 (hg19) VCF-style: chr13-21165775-A-G.
Other names: c.226A>G, p.Met76Val (NM_001318491.2, NM_001353573.2, NM_001353574.2 and 1 more transcripts); c.310A>G, p.Met104Val (NM_001318493.2, NM_001353565.2, NM_001353566.2 and 6 more transcripts); c.283A>G, p.Met95Val (NM_001353568.2, NM_001353571.2, NM_001353572.2 and 1 more transcripts); c.-281A>G (NM_001353579.2); c.310A>G (NM_175605.4); short protein forms M95V, M104V, M76V.
Identifiers: ClinVar variation 2176288 (VCV002176288.5), dbSNP rs375150650, ClinGen allele CA6905033.